The following is an entry in ClinVar:

ClinVar aggregate classification (germline): Benign. Review status: criteria provided, multiple submitters, no conflicts (2 of 4 stars). 4 submissions from 4 submitters: Benign (4). Last evaluated 2026-01-27.

Allele frequency attached by ClinVar (database versions not stated): gnomAD exomes 0.01329 and 0.01879; ExAC 0.01981; gnomAD 0.02424 and 0.02497; TOPMed 0.02618; ESP Exome Variant Server 0.02645; 1000 Genomes Project 0.03355; 1000 Genomes Project 30x 0.03373.
gnomAD v4.1: 23,471 of 1,611,010 alleles (1.5%); highest among the groups gnomAD compares: African/African-American, 5.6%; 403 homozygotes.

Submissions (17):

Labcorp Genetics (formerly Invitae), Labcorp
Classification: Benign. Last evaluated: 2026-01-27. Review status: criteria provided, single submitter. Criteria: Invitae Variant Classification Sherloc (09022015). Collection method: clinical testing. Allele origin: germline.

GeneDx
Classification: Benign. Last evaluated: 2016-03-14. Review status: criteria provided, single submitter. Criteria: GeneDx Variant Classification (06012015). Collection method: clinical testing. Allele origin: germline. Affected: yes.
Comment: This variant is considered likely benign or benign based on one or more of the following criteria: it is a conservative change, it occurs at a poorly conserved position in the protein, it is predicted to be benign by multiple in silico algorithms, and/or has population frequency not consistent with disease.

Breakthrough Genomics
Classification: Benign. Review status: criteria provided, single submitter. Criteria: ACMG Guidelines, 2015. Collection method: not provided. Allele origin: germline. Inheritance: Autosomal recessive inheritance. Affected: yes.

PreventionGenetics, part of Exact Sciences
Classification: Benign. Review status: criteria provided, single submitter. Criteria: ACMG Guidelines, 2015. Collection method: clinical testing. Allele origin: germline.

Dr. Peter K. Rogan Lab, Western University
No classification provided (evidence only). Condition: Lung cancer. Review status: no classification provided. Collection method: in vitro. Allele origin: not applicable. Functional consequence: retained intron. Not counted in ClinVar's aggregate classification.

Dr. Peter K. Rogan Lab, Western University
No classification provided (evidence only). Condition: Uterine corpus endometrial carcinoma. Review status: no classification provided. Collection method: in vitro. Allele origin: not applicable. Functional consequence: retained intron. Not counted in ClinVar's aggregate classification.

Dr. Peter K. Rogan Lab, Western University
No classification provided (evidence only). Condition: Ovarian serous cystadenocarcinoma. Review status: no classification provided. Collection method: in vitro. Allele origin: not applicable. Functional consequence: retained intron. Not counted in ClinVar's aggregate classification.

Dr. Peter K. Rogan Lab, Western University
No classification provided (evidence only). Condition: Gastric cancer. Review status: no classification provided. Collection method: in vitro. Allele origin: not applicable. Functional consequence: retained intron. Not counted in ClinVar's aggregate classification.

Dr. Peter K. Rogan Lab, Western University
No classification provided (evidence only). Condition: Cervical cancer. Review status: no classification provided. Collection method: in vitro. Allele origin: not applicable. Functional consequence: retained intron. Not counted in ClinVar's aggregate classification.

Dr. Peter K. Rogan Lab, Western University
No classification provided (evidence only). Condition: Sarcoma. Review status: no classification provided. Collection method: in vitro. Allele origin: not applicable. Functional consequence: retained intron. Not counted in ClinVar's aggregate classification.

Dr. Peter K. Rogan Lab, Western University
No classification provided (evidence only). Condition: Gastric cancer. Review status: no classification provided. Collection method: in vitro. Allele origin: not applicable. Functional consequence: retained intron. Not counted in ClinVar's aggregate classification.

Dr. Peter K. Rogan Lab, Western University
No classification provided (evidence only). Condition: Lung cancer. Review status: no classification provided. Collection method: in vitro. Allele origin: not applicable. Functional consequence: retained intron. Not counted in ClinVar's aggregate classification.

Dr. Peter K. Rogan Lab, Western University
No classification provided (evidence only). Condition: Malignant lymphoma, large B-cell, diffuse. Review status: no classification provided. Collection method: in vitro. Allele origin: not applicable. Functional consequence: retained intron. Not counted in ClinVar's aggregate classification.

Dr. Peter K. Rogan Lab, Western University
No classification provided (evidence only). Condition: Thymoma. Review status: no classification provided. Collection method: in vitro. Allele origin: not applicable. Functional consequence: retained intron. Not counted in ClinVar's aggregate classification.

Dr. Peter K. Rogan Lab, Western University
No classification provided (evidence only). Condition: Lung cancer. Review status: no classification provided. Collection method: in vitro. Allele origin: not applicable. Functional consequence: retained intron. Not counted in ClinVar's aggregate classification.

Dr. Peter K. Rogan Lab, Western University
No classification provided (evidence only). Condition: Thymoma. Review status: no classification provided. Collection method: in vitro. Allele origin: not applicable. Functional consequence: retained intron. Not counted in ClinVar's aggregate classification.

Dr. Peter K. Rogan Lab, Western University
No classification provided (evidence only). Condition: Thymoma. Review status: no classification provided. Collection method: in vitro. Allele origin: not applicable. Functional consequence: retained intron. Not counted in ClinVar's aggregate classification.

NM_013296.5(GPSM2):c.557+17A>G

Gene: GPSM2 (G protein signaling modulator 2; plus strand). Cytogenetic location: 1p13.3.
Variant type: single nucleotide variant.
Coding change: c.557+17A>G on transcript NM_013296.5 (MANE Select); 17 bases into the intron after coding-DNA position 557, A replaced by G.
Molecular consequence: intron variant.
Genome position (GRCh38, 1-based): chr1:108,898,118, A>G. VCF-style: chr1-108898118-A-G. GRCh37 (hg19) VCF-style: chr1-109440740-A-G.
Other names: c.557+17A>G (NM_001321038.2, NM_001321039.3).
Identifiers: ClinVar variation 260281 (VCV000260281.13), dbSNP rs12028832, ClinGen allele CA982829.